The following is an entry in ClinVar:

NM_000128.4(F11):c.219G>A (p.Trp73Ter)

Gene: F11 (coagulation factor XI; plus strand). Cytogenetic location: 4q35.2.
Variant type: single nucleotide variant.
Coding change: c.219G>A on transcript NM_000128.4 (MANE Select); coding-DNA position 219, G replaced by A.
Protein change: p.Trp73Ter; replaces tryptophan 73 with a stop codon.
Molecular consequence: nonsense.
Genome position (GRCh38, 1-based): chr4:186,273,071, G>A. VCF-style: chr4-186273071-G-A. GRCh37 (hg19) VCF-style: chr4-187194225-G-A.
Other names: c.219G>A, p.Trp73Ter (NM_001354804.2); short protein forms W73*.
Identifiers: ClinVar variation 370221 (VCV000370221.9), dbSNP rs762013077, ClinGen allele CA3163603.

ClinVar aggregate classification (germline): Pathogenic/Likely pathogenic. Review status: criteria provided, multiple submitters, no conflicts (2 of 4 stars). 3 submissions from 3 submitters: Pathogenic (1); Likely pathogenic (1). 1 of the submissions does not count toward it. Last evaluated 2026-01-20.

Conditions:
Hereditary factor XI deficiency disease. Also called: PLASMA THROMBOPLASTIN ANTECEDENT DEFICIENCY; PTA DEFICIENCY; ROSENTHAL SYNDROME; Congenital factor XI deficiency. Identifiers: Orphanet 329, MedGen C0015523, MeSH D005173, MONDO:0012897, OMIM 612416.
Plasma factor XI deficiency.

gnomAD v4.1: 14 of 1,602,632 alleles (0.00087%); highest among the groups gnomAD compares: Non-Finnish European, 0.0011%; no homozygotes.

Submissions (3):

Natera, Inc.
Classification: Likely pathogenic for Plasma factor XI deficiency. Last evaluated: 2026-01-20. Review status: criteria provided, single submitter. Criteria: Natera Variant Classification Schema (03/2026). Collection method: clinical testing. Allele origin: germline.
Comment: The c.219G>A variant in F11 is a nonsense variant predicted to introduce a stop codon at amino acid 73. This variant is expected to result in nonsense mediated decay, truncation, or a dysfunctional protein product. This variant is rare in the general population with a frequency below the threshold expected for the associated phenotype(s). Given the available evidence, this variant is classified as Likely Pathogenic.

Labcorp Genetics (formerly Invitae), Labcorp
Classification: Pathogenic. Last evaluated: 2023-05-22. Review status: criteria provided, single submitter. Criteria: Invitae Variant Classification Sherloc (09022015). Collection method: clinical testing. Allele origin: germline.
Comment: This variant has not been reported in the literature in individuals affected with F11-related conditions. For these reasons, this variant has been classified as Pathogenic. ClinVar contains an entry for this variant (Variation ID: 370221). This variant is present in population databases (rs762013077, gnomAD 0.0009%). This sequence change creates a premature translational stop signal (p.Trp73*) in the F11 gene. It is expected to result in an absent or disrupted protein product. Loss-of-function variants in F11 are known to be pathogenic (PMID: 23929304).

Counsyl
Classification: Likely pathogenic for Hereditary factor XI deficiency disease. Last evaluated: 2015-12-15. Review status: no assertion criteria provided. Collection method: clinical testing. Allele origin: unknown. Not counted in ClinVar's aggregate classification.

Literature cited by the submitters: PubMed 23929304 (cited by Labcorp Genetics (formerly Invitae), Labcorp).